The following is an entry in ClinVar:

ClinVar aggregate classification (germline): Uncertain significance (1 of 4 stars; one submission).

Conditions:
Inborn genetic diseases. Identifiers: MedGen C0950123, MeSH D030342.

Allele frequency attached by ClinVar (database versions not stated): gnomAD exomes below 0.00001.
gnomAD v4.1: 1 of 1,577,946 alleles (0.000063%); highest among the groups gnomAD compares: Non-Finnish European, 0.000086%; no homozygotes.

Submission:

Ambry Genetics
Classification: Uncertain significance for Inborn genetic diseases. Last evaluated: 2021-05-26. Review status: criteria provided, single submitter. Criteria: Ambry Variant Classification Scheme 2023. Collection method: clinical testing. Allele origin: germline.
Comment: The p.H2416R variant (also known as c.7247A>G), located in coding exon 47 of the DST gene, results from an A to G substitution at nucleotide position 7247. The histidine at codon 2416 is replaced by arginine, an amino acid with highly similar properties. This amino acid position is not well conserved in available vertebrate species. In addition, this alteration is predicted to be tolerated by in silico analysis. Since supporting evidence is limited at this time, the clinical significance of this alteration remains unclear.

NM_001374736.1(DST):c.13604A>G (p.His4535Arg)

Gene: DST (dystonin; minus strand). Cytogenetic location: 6p12.1.
Variant type: single nucleotide variant.
Coding change: c.13604A>G on transcript NM_001374736.1 (MANE Select); coding-DNA position 13604, A replaced by G.
Protein change: p.His4535Arg; replaces histidine 4535 with arginine.
Molecular consequence: missense variant.
Genome position (GRCh38, 1-based): chr6:56,572,217, T>C on the plus strand (A>G on the coding strand, the complement: DST is on the minus strand). VCF-style: chr6-56572217-T-C. GRCh37 (hg19) VCF-style: chr6-56437015-T-C.
Other names: c.7247A>G, p.His2416Arg (NM_001144769.5); c.6833A>G, p.His2278Arg (NM_001144770.2); c.13604A>G, p.His4535Arg (NM_001374722.1); c.12971A>G, p.His4324Arg (NM_001374729.1); c.6713A>G, p.His2238Arg (NM_001374730.1, NM_001386100.1, NM_183380.4); c.13631A>G, p.His4544Arg (NM_001374734.1); c.5735A>G, p.His1912Arg (NM_015548.5); short protein forms H1912R, H2416R, H4324R, H2238R, H2278R, H4535R, H4544R.
Identifiers: ClinVar variation 1757891 (VCV001757891.2), dbSNP rs1229249315, ClinGen allele CA364526542.